The following is an entry in ClinVar:

ClinVar aggregate classification (germline): Uncertain significance (1 of 4 stars; one submission).

Conditions:
Cardiovascular phenotype. Identifiers: MedGen CN230736.

Submission:

Ambry Genetics
Classification: Uncertain significance for Cardiovascular phenotype. Last evaluated: 2022-09-24. Review status: criteria provided, single submitter. Criteria: Ambry Variant Classification Scheme 2023. Collection method: clinical testing. Allele origin: germline.
Comment: The p.T2P variant (also known as c.4A>C), located in coding exon 1 of the KRAS gene, results from an A to C substitution at nucleotide position 4. The threonine at codon 2 is replaced by proline, an amino acid with highly similar properties. This amino acid position is conserved. In addition, this alteration is predicted to be deleterious by in silico analysis. Since supporting evidence is limited at this time, the clinical significance of this alteration remains unclear.

NM_004985.5(KRAS):c.4A>C (p.Thr2Pro)

Gene: KRAS (KRAS proto-oncogene, GTPase; minus strand). Cytogenetic location: 12p12.1.
Variant type: single nucleotide variant.
Coding change: c.4A>C on transcript NM_004985.5 (MANE Select); coding-DNA position 4, A replaced by C.
Protein change: p.Thr2Pro; replaces threonine 2 with proline.
Molecular consequence: missense variant.
Genome position (GRCh38, 1-based): chr12:25,245,381, T>G on the plus strand (A>C on the coding strand, the complement: KRAS is on the minus strand). VCF-style: chr12-25245381-T-G. GRCh37 (hg19) VCF-style: chr12-25398315-T-G.
Other names: c.4A>C, p.Thr2Pro (NM_001369786.1, NM_001369787.1, NM_033360.4); short protein forms T2P.
Identifiers: ClinVar variation 1744676 (VCV001744676.2), dbSNP rs2135806400, ClinGen allele CA384157599.